The following is an entry in ClinVar:

NM_001378454.1(ALMS1):c.31G>T (p.Glu11Ter)

Gene: ALMS1 (ALMS1 centrosome and basal body associated protein; plus strand). Cytogenetic location: 2p13.1.
Variant type: single nucleotide variant.
Coding change: c.31G>T on transcript NM_001378454.1 (MANE Select); coding-DNA position 31, G replaced by T.
Protein change: p.Glu11Ter; replaces glutamic acid 11 with a stop codon.
Molecular consequence: nonsense.
Genome position (GRCh38, 1-based): chr2:73,385,899, G>T. VCF-style: chr2-73385899-G-T. GRCh37 (hg19) VCF-style: chr2-73613027-G-T.
Other names: c.31G>T, p.Glu11Ter (NM_015120.4); short protein forms E11*.
Identifiers: ClinVar variation 2449616 (VCV002449616.5), dbSNP rs2465969801, ClinGen allele CA347250432.

ClinVar aggregate classification (germline): Pathogenic/Likely pathogenic. Review status: criteria provided, multiple submitters, no conflicts (2 of 4 stars). 2 submissions from 2 submitters: Pathogenic (1); Likely pathogenic (1). Last evaluated 2023-09-28.

Conditions:
Alstrom syndrome (ALMS). Identifiers: Orphanet 64, MedGen C0268425, MONDO:0008763, OMIM 203800.
Cardiovascular phenotype. Identifiers: MedGen CN230736.

Submissions (2):

Labcorp Genetics (formerly Invitae), Labcorp
Classification: Pathogenic for Alstrom syndrome. Last evaluated: 2023-09-28. Review status: criteria provided, single submitter. Criteria: Invitae Variant Classification Sherloc (09022015). Collection method: clinical testing. Allele origin: germline.
Comment: This sequence change creates a premature translational stop signal (p.Glu11*) in the ALMS1 gene. It is expected to result in an absent or disrupted protein product. Loss-of-function variants in ALMS1 are known to be pathogenic (PMID: 17594715). This variant is not present in population databases (gnomAD no frequency). This variant has not been reported in the literature in individuals affected with ALMS1-related conditions. ClinVar contains an entry for this variant (Variation ID: 2449616). For these reasons, this variant has been classified as Pathogenic.

Ambry Genetics
Classification: Likely pathogenic for Cardiovascular phenotype. Last evaluated: 2023-03-14. Review status: criteria provided, single submitter. Criteria: Ambry Variant Classification Scheme 2023. Collection method: clinical testing. Allele origin: germline.
Comment: The p.E11* variant (also known as c.31G>T), located in coding exon 1 of the ALMS1 gene, results from a G to T substitution at nucleotide position 31. This changes the amino acid from a glutamic acid to a stop codon within coding exon 1. The predicted stop codon occurs in the 5&rsquo; end of theALMS1 gene. Premature termination codons in the 5&rsquo; end of a gene have been reported to escape nonsense-mediated mRNAdecay and/or lead to re-initiation (Rivas et al. Science. 2015 May 8;348(6235):666-9; Lindeboom et al. Nat Genet. 2016 Oct;48(10):1112-8; Rhee et al. Sci Rep. 2017 May 10;7(1):1653). Direct evidence for this alteration is unavailable, however premature termination codons are typically deleterious in nature. This variant is considered to be rare based on population cohorts in the Genome Aggregation Database (gnomAD). Based on the majority of available evidence to date, this variant is likely to be pathogenic.

Literature cited by the submitters: PubMed 17594715 (cited by Labcorp Genetics (formerly Invitae), Labcorp).